The following is an entry in ClinVar:

ClinVar aggregate classification (germline): Uncertain significance. Review status: criteria provided, multiple submitters, no conflicts (2 of 4 stars). 2 submissions from 2 submitters: Uncertain significance (2). Last evaluated 2024-11-28.

Conditions:
Inborn genetic diseases. Identifiers: MedGen C0950123, MeSH D030342.

Allele frequency attached by ClinVar (database versions not stated): gnomAD 0.00001.
gnomAD v4.1: 5 of 1,612,536 alleles (0.00031%); highest among the groups gnomAD compares: Non-Finnish European, 0.00042%; no homozygotes.

Submissions (2):

Ambry Genetics
Classification: Uncertain significance for Inborn genetic diseases. Last evaluated: 2024-11-28. Review status: criteria provided, single submitter. Criteria: Ambry Variant Classification Scheme 2023. Collection method: clinical testing. Allele origin: germline.

Labcorp Genetics (formerly Invitae), Labcorp
Classification: Uncertain significance. Last evaluated: 2021-12-21. Review status: criteria provided, single submitter. Criteria: Invitae Variant Classification Sherloc (09022015). Collection method: clinical testing. Allele origin: germline.
Comment: In summary, the available evidence is currently insufficient to determine the role of this variant in disease. Therefore, it has been classified as a Variant of Uncertain Significance. Algorithms developed to predict the effect of missense changes on protein structure and function are either unavailable or do not agree on the potential impact of this missense change (SIFT: "Deleterious"; PolyPhen-2: "Probably Damaging"; Align-GVGD: "Class C0"). This variant has not been reported in the literature in individuals affected with OTOGL-related conditions. This variant is present in population databases (rs754357295, gnomAD 0.002%). This sequence change replaces aspartic acid, which is acidic and polar, with glutamic acid, which is acidic and polar, at codon 1154 of the OTOGL protein (p.Asp1154Glu).

NM_001378609.3(OTOGL):c.3489T>A (p.Asp1163Glu)

Gene: OTOGL (otogelin like; plus strand). Cytogenetic location: 12q21.31.
Variant type: single nucleotide variant.
Coding change: c.3489T>A on transcript NM_001378609.3 (MANE Select); coding-DNA position 3489, T replaced by A.
Protein change: p.Asp1163Glu; replaces aspartic acid 1163 with glutamic acid.
Molecular consequence: missense variant.
Genome position (GRCh38, 1-based): chr12:80,313,514, T>A. VCF-style: chr12-80313514-T-A. GRCh37 (hg19) VCF-style: chr12-80707294-T-A.
Other names: c.3354T>A, p.Asp1118Glu (NM_001368062.3); c.3489T>A, p.Asp1163Glu (NM_001378610.3, NM_173591.7); c.3462T>A (NM_173591.3); short protein forms D1118E, D1163E.
Identifiers: ClinVar variation 2181870 (VCV002181870.5), dbSNP rs754357295, ClinGen allele CA6701100.